The following is an entry in ClinVar:

NM_001367624.2(ZNF469):c.6377G>A (p.Ser2126Asn)

Gene: ZNF469 (zinc finger protein 469; plus strand). Cytogenetic location: 16q24.2.
Variant type: single nucleotide variant.
Coding change: c.6377G>A on transcript NM_001367624.2 (MANE Select); coding-DNA position 6377, G replaced by A.
Protein change: p.Ser2126Asn; replaces serine 2126 with asparagine.
Molecular consequence: missense variant.
Genome position (GRCh38, 1-based): chr16:88,433,847, G>A. VCF-style: chr16-88433847-G-A. GRCh37 (hg19) VCF-style: chr16-88500255-G-A.
Other names: NM_001127464.1:c.6293G>A; short protein forms S2126N.
Identifiers: ClinVar variation 1703297 (VCV001703297.5), dbSNP rs748594806, ClinGen allele CA8225144.

ClinVar aggregate classification (germline): Conflicting classifications of pathogenicity. Review status: criteria provided, conflicting classifications (1 of 4 stars). 2 submissions from 2 submitters: Uncertain significance (1); Likely benign (1). Last evaluated 2024-01-11.

Conditions:
Cardiovascular phenotype. Identifiers: MedGen CN230736.

Allele frequency attached by ClinVar (database versions not stated): gnomAD 0.00001; TOPMed 0.00001; ExAC 0.00036.
gnomAD v4.1: 75 of 1,549,584 alleles (0.0048%); highest among the groups gnomAD compares: South Asian, 0.081%; no homozygotes.

Submissions (2):

Ambry Genetics
Classification: Likely benign for Cardiovascular phenotype. Last evaluated: 2024-01-11. Review status: criteria provided, single submitter. Criteria: Ambry Variant Classification Scheme 2023. Collection method: clinical testing. Allele origin: germline.

GeneDx
Classification: Uncertain significance. Last evaluated: 2022-02-25. Review status: criteria provided, single submitter. Criteria: GeneDx Variant Classification Process June 2021. Collection method: clinical testing. Allele origin: germline. Affected: yes.
Comment: Has not been previously published as pathogenic or benign to our knowledge; In silico analysis supports that this missense variant does not alter protein structure/function